The following is an entry in ClinVar:

NM_017654.4(SAMD9):c.2278T>C (p.Cys760Arg)

Gene: SAMD9 (sterile alpha motif domain containing 9; minus strand). Cytogenetic location: 7q21.2.
Variant type: single nucleotide variant.
Coding change: c.2278T>C on transcript NM_017654.4 (MANE Select); coding-DNA position 2278, T replaced by C.
Protein change: p.Cys760Arg; replaces cysteine 760 with arginine.
Molecular consequence: missense variant.
Genome position (GRCh38, 1-based): chr7:93,103,820, A>G on the plus strand (T>C on the coding strand, the complement: SAMD9 is on the minus strand). VCF-style: chr7-93103820-A-G. GRCh37 (hg19) VCF-style: chr7-92733133-A-G.
Other names: c.2278T>C, p.Cys760Arg (NM_001193307.2); short protein forms C760R.
Identifiers: ClinVar variation 1313577 (VCV001313577.12), dbSNP rs765380924, ClinGen allele CA4342864.
Genomic context (GRCh38, chr7:93,103,820, plus strand): 5'-AACTGGTTACCTGTTCTCCAATTTCAGAAAAATCCACTGTCTTGTTTTTCAGCACAGCAC[A>G]TCTGAATTTCTTCCTTAGTTCCCAGAGAATGTGCATAGCCAAGGTAGTTCCCCCACAGCC-3'
Protein context (NP_060124.2, residues 750-770): ILWELRKKFR[Cys760Arg]AVLKNKTVDF

ClinVar aggregate classification (germline): Uncertain significance. Review status: criteria provided, multiple submitters, no conflicts (2 of 4 stars). 4 submissions from 4 submitters: Uncertain significance (4). Last evaluated 2026-01-20.

Conditions:
Normophosphatemic familial tumoral calcinosis. Also called: CALCINOSIS, TUMORAL, WITH NORMOPHOSPHATEMIA. Identifiers: Orphanet 306658, Orphanet 53715, MedGen C1864861, MONDO:0012502, OMIM 610455.

Allele frequency attached by ClinVar (database versions not stated): gnomAD exomes below 0.00001; ExAC 0.00001; gnomAD 0.00002; TOPMed 0.00002.

Submissions (4):

Labcorp Genetics (formerly Invitae), Labcorp
Classification: Uncertain significance. Last evaluated: 2026-01-20. Review status: criteria provided, single submitter. Criteria: Invitae Variant Classification Sherloc (09022015). Collection method: clinical testing. Allele origin: germline.
Comment: This sequence change replaces cysteine, which is neutral and slightly polar, with arginine, which is basic and polar, at codon 760 of the SAMD9 protein (p.Cys760Arg). This variant is present in population databases (rs765380924, gnomAD 0.002%). This variant has not been reported in the literature in individuals affected with SAMD9-related conditions. ClinVar contains an entry for this variant (Variation ID: 1313577). Invitae Evidence Modeling of protein sequence and biophysical properties (such as structural, functional, and spatial information, amino acid conservation, physicochemical variation, residue mobility, and thermodynamic stability) has been performed for this missense variant. However, the output from this modeling did not meet the statistical confidence thresholds required to predict the impact of this variant on SAMD9 protein function. In summary, the available evidence is currently insufficient to determine the role of this variant in disease. Therefore, it has been classified as a Variant of Uncertain Significance.

Myriad Genetics, Inc.
Classification: Uncertain significance for Normophosphatemic familial tumoral calcinosis. Last evaluated: 2025-09-15. Review status: criteria provided, single submitter. Criteria: Myriad Autosomal Dominant, Autosomal Recessive and X-Linked Classification Criteria (2023). Collection method: clinical testing. Allele origin: unknown.
Comment: NM_017654.3(SAMD9):c.2278T>C(C760R) is a missense variant classified as a variant of uncertain significance in the context of normophosphatemic familial tumoral calcinosis. C760R has not been observed in cases with relevant disease. Relevant functional assessments of this variant are not available in the literature. C760R has been observed in referenced population frequency databases. In summary, there is insufficient evidence to classify NM_017654.3(SAMD9):c.2278T>C(C760R) as pathogenic or benign. Please note: this variant was assessed in the context of healthy population screening.

GeneDx
Classification: Uncertain significance. Last evaluated: 2020-10-20. Review status: criteria provided, single submitter. Criteria: GeneDx Variant Classification Process June 2021. Collection method: clinical testing. Allele origin: germline. Affected: yes.
Comment: Not observed at a significant frequency in large population cohorts (Lek 2016); In silico analysis supports that this missense variant has a deleterious effect on protein structure/function; Has not been previously published as pathogenic or benign to our knowledge

Genetic Services Laboratory, University of Chicago
Classification: Uncertain significance. Last evaluated: 2020-05-27. Review status: criteria provided, single submitter. Criteria: ACMG Guidelines, 2015. Collection method: clinical testing. Allele origin: germline. Affected: no.
Comment: DNA sequence analysis of the SAMD9 gene demonstrated a sequence change, c.2278T>C, in exon 3 that results in an amino acid change, p.Cys760Arg. This sequence change does not appear to have been previously described in patients with SAMD9-related disorders and has been described in the gnomAD database in two individuals (dbSNP rs765380924). The p.Cys760Arg change affects a highly conserved amino acid residue located in a domain of the SAMD9 protein that is not known to be functional. The p.Cys760Arg substitution appears to be deleterious using several in-silico pathogenicity prediction tools (SIFT, PolyPhen2, Align GVGD, REVEL). Due to the lack of functional studies, the clinical significance of the p.Cys760Arg change remains unknown at this time.